The following is an entry in ClinVar:

NM_032119.4(ADGRV1):c.17204+4_17204+7del

Gene: ADGRV1 (adhesion G protein-coupled receptor V1; plus strand). Cytogenetic location: 5q14.3.
Variant type: Microsatellite.
Coding change: c.17204+4_17204+7del on transcript NM_032119.4 (MANE Select); bases 4 to 7 of the intron after coding-DNA position 17204, 4 bases deleted (AGTA; older notation c.17204+4_17204+7delAGTA).
Molecular consequence: splice donor variant.
Genome position (GRCh38, 1-based): chr5:90,848,825-90,848,828, AGTA deleted; deleting any 4 consecutive bases within chr5:90,848,820-90,848,828 gives the same sequence; the c. name uses the placement nearest the transcript's 3' end. VCF-style (leftmost placement, unchanged base first): chr5-90848819-AAAGT-A. GRCh37 (hg19) VCF-style: chr5-90144636-AAAGT-A.
Identifiers: ClinVar variation 3901476 (VCV003901476.2).

ClinVar aggregate classification (germline): Pathogenic/Likely pathogenic. Review status: criteria provided, multiple submitters, no conflicts (2 of 4 stars). 2 submissions from 2 submitters: Pathogenic (1); Likely pathogenic (1). Last evaluated 2024-12-07.

Conditions:
ADGRV1-related disorder. Also called: ADGRV1-related condition; ADGRV1-related disorders.

Submissions (2):

GeneDx
Classification: Likely pathogenic. Last evaluated: 2024-12-07. Review status: criteria provided, single submitter. Criteria: GeneDx Variant Classification Process June 2021. Collection method: clinical testing. Allele origin: germline. Affected: yes.
Comment: RNA studies demonstrate a damaging effect: complete impact on splicing causing an in-frame loss of exon 79 (PMID: 22147658); In silico analysis supports a deleterious effect on splicing; Not observed at significant frequency in large population cohorts (gnomAD); This variant is associated with the following publications: (PMID: 22147658)

Blueprint Genetics
Classification: Pathogenic for ADGRV1-related disorders. Last evaluated: 2019-04-20. Review status: criteria provided, single submitter. Criteria: ACMG Guidelines, 2015. Collection method: clinical testing. Allele origin: germline. Affected: yes. Observed: 1 variant allele.